The following is an entry in ClinVar:

NM_000316.3(PTH1R):c.313+4C>T

Gene: PTH1R (parathyroid hormone 1 receptor; plus strand). Cytogenetic location: 3p21.31.
Variant type: single nucleotide variant.
Coding change: c.313+4C>T on transcript NM_000316.3 (MANE Select); 4 bases into the intron after coding-DNA position 313, C replaced by T.
Molecular consequence: intron variant.
Genome position (GRCh38, 1-based): chr3:46,895,873, C>T. VCF-style: chr3-46895873-C-T. GRCh37 (hg19) VCF-style: chr3-46937363-C-T.
Other names: c.313+4C>T (NM_001184744.1).
Identifiers: ClinVar variation 345582 (VCV000345582.24), dbSNP rs200207404, ClinGen allele CA2359137.

ClinVar aggregate classification (germline): Conflicting classifications of pathogenicity. Review status: criteria provided, conflicting classifications (1 of 4 stars). 6 submissions from 5 submitters: Uncertain significance (4); Benign (1); Likely benign (1). Last evaluated 2026-02-03.

Conditions:
Chondrodysplasia Blomstrand type (BOCD). Identifiers: Orphanet 50945, MedGen C1859148, MONDO:0008970, OMIM 215045.
Metaphyseal chondrodysplasia, Jansen type. Also called: PTH1R-Related Jansen Metaphyseal Chondrodysplasia; Metaphyseal chondrodysplasia Murk Jansen type. Identifiers: Orphanet 33067, MedGen C0265295, MONDO:0007982, OMIM 156400.

Allele frequency attached by ClinVar (database versions not stated): 1000 Genomes Project 30x 0.00031; 1000 Genomes Project 0.00040; TOPMed 0.00062; ESP Exome Variant Server 0.00069; gnomAD 0.00070 and 0.00074; gnomAD exomes 0.00070 and 0.00106; ExAC 0.00079.
gnomAD v4.1: 1,619 of 1,612,414 alleles (0.1%); highest among the groups gnomAD compares: Non-Finnish European, 0.13%; 2 homozygotes.

Submissions (6):

Labcorp Genetics (formerly Invitae), Labcorp
Classification: Uncertain significance. Last evaluated: 2026-02-03. Review status: criteria provided, single submitter. Criteria: Invitae Variant Classification Sherloc (09022015). Collection method: clinical testing. Allele origin: germline.
Comment: This sequence change falls in intron 5 of the PTH1R gene. It does not directly change the encoded amino acid sequence of the PTH1R protein. It affects a nucleotide within the consensus splice site. This variant is present in population databases (rs200207404, gnomAD 0.1%), and has an allele count higher than expected for a pathogenic variant. This variant has not been reported in the literature in individuals affected with PTH1R-related conditions. ClinVar contains an entry for this variant (Variation ID: 345582). Variants that disrupt the consensus splice site are a relatively common cause of aberrant splicing (PMID: 17576681, 9536098). Algorithms developed to predict the effect of sequence changes on RNA splicing suggest that this variant is not likely to affect RNA splicing. In summary, the available evidence is currently insufficient to determine the role of this variant in disease. Therefore, it has been classified as a Variant of Uncertain Significance.

Blueprint Genetics
Classification: Likely benign. Last evaluated: 2024-10-25. Review status: criteria provided, single submitter. Criteria: ACMG Guidelines, 2015. Collection method: clinical testing. Allele origin: germline.

ARUP Laboratories, Molecular Genetics and Genomics, ARUP Laboratories
Classification: Uncertain significance. Last evaluated: 2024-02-16. Review status: criteria provided, single submitter. Criteria: ARUP Molecular Germline Variant Investigation Process 2024. Collection method: clinical testing. Allele origin: germline.
Comment: The PTH1R c.313+4C>T variant (rs200207404), to our knowledge, is not reported in the medical literature but is reported in ClinVar (Variation ID: 345582). This variant is found in the non-Finnish European population with an allele frequency of 0.13% (171/128,386 alleles) in the Genome Aggregation Database (v2.1.1). This is an intronic variant in a weakly conserved nucleotide, and computational analyses (Alamut v.2.11) predict that this variant does not alter splicing. Although the population frequency of this disorder is inconsistent with dominant disease, due to limited information, the clinical significance of this variant in recessive disease is uncertain at this time.

Illumina Laboratory Services, Illumina
Classification: Uncertain significance for Chondrodysplasia Blomstrand type. Last evaluated: 2018-01-13. Review status: criteria provided, single submitter. Criteria: ICSL Variant Classification Criteria 13 December 2019. Collection method: clinical testing. Allele origin: germline.

Illumina Laboratory Services, Illumina
Classification: Benign for Metaphyseal chondrodysplasia, Jansen type. Last evaluated: 2018-01-13. Review status: criteria provided, single submitter. Criteria: ICSL Variant Classification Criteria 13 December 2019. Collection method: clinical testing. Allele origin: germline.
Comment: This variant was observed in the ICSL laboratory as part of a predisposition screen in an ostensibly healthy population. It had not been previously curated by ICSL or reported in the Human Gene Mutation Database (HGMD: prior to June 1st, 2018), and was therefore a candidate for classification through an automated scoring system. Utilizing variant allele frequency, disease prevalence and penetrance estimates, and inheritance mode, an automated score was calculated to assess if this variant is too frequent to cause the disease. Based on the score and internal cut-off values, a variant classified as benign is not then subjected to further curation. The score for this variant resulted in a classification of benign for this disease.

Eurofins Ntd Llc (ga)
Classification: Uncertain significance. Last evaluated: 2017-01-25. Review status: criteria provided, single submitter. Criteria: EGL Classification Definitions 2015. Collection method: clinical testing. Allele origin: germline. Observed: 1 variant allele, 1 heterozygote.

Literature cited by the submitters: PubMed 17576681 (cited by Labcorp Genetics (formerly Invitae), Labcorp); PubMed 9536098 (cited by Labcorp Genetics (formerly Invitae), Labcorp).